The following is an entry in ClinVar:

ClinVar aggregate classification (germline): Uncertain significance (1 of 4 stars; one submission).

Conditions:
Immunodeficiency 104. Also called: Severe combined immunodeficiency, autosomal recessive, T cell-negative, B cell-positive, NK cell-positive; Severe Combined Immune Deficiency, Autosomal Recessive, TCell -Negative, B Cell-Positive, NK Cell-Positive, IL7R-Related; IMMUNODEFICIENCY 104, SEVERE COMBINED; SCID, AUTOSOMAL RECESSIVE, T CELL-NEGATIVE, B CELL-POSITIVE, NK CELL-POSITIVE. Identifiers: MedGen C5676890, MONDO:0012163, OMIM 608971.

Allele frequency attached by ClinVar (database versions not stated): gnomAD 0.00001.
gnomAD v4.1: 1 of 1,613,850 alleles (0.000062%); highest among the groups gnomAD compares: Non-Finnish European, 0.000085%; no homozygotes.

Submission:

Labcorp Genetics (formerly Invitae), Labcorp
Classification: Uncertain significance for Immunodeficiency 104. Last evaluated: 2022-05-24. Review status: criteria provided, single submitter. Criteria: Invitae Variant Classification Sherloc (09022015). Collection method: clinical testing. Allele origin: germline.
Comment: This sequence change replaces valine, which is neutral and non-polar, with phenylalanine, which is neutral and non-polar, at codon 503 of the PTPRC protein (p.Val503Phe). This variant is present in population databases (no rsID available, gnomAD 0.0009%). This variant has not been reported in the literature in individuals affected with PTPRC-related conditions. Algorithms developed to predict the effect of missense changes on protein structure and function are either unavailable or do not agree on the potential impact of this missense change (SIFT: "Deleterious"; PolyPhen-2: "Probably Damaging"; Align-GVGD: "Class C0"). In summary, the available evidence is currently insufficient to determine the role of this variant in disease. Therefore, it has been classified as a Variant of Uncertain Significance.

NM_002838.5(PTPRC):c.1507G>T (p.Val503Phe)

Gene: PTPRC (protein tyrosine phosphatase receptor type C; plus strand). Cytogenetic location: 1q32.1.
Variant type: single nucleotide variant.
Coding change: c.1507G>T on transcript NM_002838.5 (MANE Select); coding-DNA position 1507, G replaced by T.
Protein change: p.Val503Phe; replaces valine 503 with phenylalanine.
Molecular consequence: missense variant.
Genome position (GRCh38, 1-based): chr1:198,718,150, G>T. VCF-style: chr1-198718150-G-T. GRCh37 (hg19) VCF-style: chr1-198687279-G-T.
Other names: c.1024G>T, p.Val342Phe (NM_080921.4); short protein forms V503F, V342F.
Identifiers: ClinVar variation 1951355 (VCV001951355.2), dbSNP rs1193789799, ClinGen allele CA344038917.